The following is an entry in ClinVar:

ClinVar aggregate classification (germline): Uncertain significance (1 of 4 stars; one submission).

Allele frequency attached by ClinVar (database versions not stated): gnomAD exomes below 0.00001; ExAC 0.00001.
gnomAD v4.1: 6 of 1,613,874 alleles (0.00037%); highest among the groups gnomAD compares: South Asian, 0.0044%; no homozygotes.

Submission:

Labcorp Genetics (formerly Invitae), Labcorp
Classification: Uncertain significance. Last evaluated: 2021-12-12. Review status: criteria provided, single submitter. Criteria: Invitae Variant Classification Sherloc (09022015). Collection method: clinical testing. Allele origin: germline.
Comment: In summary, the available evidence is currently insufficient to determine the role of this variant in disease. Therefore, it has been classified as a Variant of Uncertain Significance. Variants that disrupt the consensus splice site are a relatively common cause of aberrant splicing (PMID: 17576681, 9536098). Algorithms developed to predict the effect of sequence changes on RNA splicing suggest that this variant may disrupt the consensus splice site. This variant has not been reported in the literature in individuals affected with SLC9A3R1-related conditions. This variant is present in population databases (rs750826551, gnomAD 0.006%). This sequence change falls in intron 2 of the SLC9A3R1 gene. It does not directly change the encoded amino acid sequence of the SLC9A3R1 protein. It affects a nucleotide within the consensus splice site.

Literature cited by the submitters: PubMed 17576681; PubMed 9536098.

NM_004252.5(NHERF1):c.603+4A>G

Gene: NHERF1 (NHERF family PDZ scaffold protein 1; plus strand). Cytogenetic location: 17q25.1.
Variant type: single nucleotide variant.
Coding change: c.603+4A>G on transcript NM_004252.5 (MANE Select); 4 bases into the intron after coding-DNA position 603, A replaced by G.
Molecular consequence: intron variant.
Genome position (GRCh38, 1-based): chr17:74,762,177, A>G. VCF-style: chr17-74762177-A-G. GRCh37 (hg19) VCF-style: chr17-72758316-A-G.
Identifiers: ClinVar variation 2878076 (VCV002878076.3), dbSNP rs750826551, ClinGen allele CA8750637.